The following is an entry in ClinVar:

ClinVar aggregate classification (germline): Benign. Review status: criteria provided, single submitter (1 of 4 stars). 2 submissions from 2 submitters: Benign (1). 1 of the submissions does not count toward it. Last evaluated 2018-09-11.

Conditions:
SLFN14-related disorder. Also called: SLFN14-related condition.

Allele frequency attached by ClinVar (database versions not stated): gnomAD 0.00001; TOPMed 0.00012; gnomAD exomes 0.00031.
gnomAD v4.1: 58 of 1,551,482 alleles (0.0037%); highest among the groups gnomAD compares: Admixed American, 0.11%; no homozygotes.

Submissions (2):

Labcorp Genetics (formerly Invitae), Labcorp
Classification: Benign. Last evaluated: 2018-09-11. Review status: criteria provided, single submitter. Criteria: Invitae Variant Classification Sherloc (09022015). Collection method: clinical testing. Allele origin: germline.

PreventionGenetics, part of Exact Sciences
Classification: Likely benign for SLFN14-related condition. Last evaluated: 2020-01-24. Review status: no assertion criteria provided. Collection method: clinical testing. Allele origin: germline. Not counted in ClinVar's aggregate classification.
Comment: This variant is classified as likely benign based on ACMG/AMP sequence variant interpretation guidelines (Richards et al. 2015 PMID: 25741868, with internal and published modifications).

NM_001129820.2(SLFN14):c.2187C>G (p.Thr729=)

Gene: SLFN14 (schlafen family member 14; minus strand). Cytogenetic location: 17q12.
Variant type: single nucleotide variant.
Coding change: c.2187C>G on transcript NM_001129820.2 (MANE Select); coding-DNA position 2187, C replaced by G.
Protein change: p.Thr729=; no amino-acid change (threonine 729 retained).
Molecular consequence: synonymous variant.
Genome position (GRCh38, 1-based): chr17:35,548,791, G>C on the plus strand (C>G on the coding strand, the complement: SLFN14 is on the minus strand). VCF-style: chr17-35548791-G-C. GRCh37 (hg19) VCF-style: chr17-33875810-G-C.
Identifiers: ClinVar variation 751826 (VCV000751826.5), dbSNP rs1283901877, ClinGen allele CA499902058.
Genomic context (GRCh38, chr17:35,548,791, plus strand): 5'-GATCCTCTTCATTTCTTCTTTCATAACCTTCGCTATTTCCAGAGCACAGTGGATCCCACT[G>C]GTGATTGTTTTTCGAGGAAACTGAGCAGATGGAGGGGGAAGGCCATTGACATCTGCGTGA-3'
Protein context (NP_001123292.1, residues 719-739): PSAQFPRKTI[Thr729=]SGIHCALEIA